The following is an entry in ClinVar:

ClinVar aggregate classification (germline): Uncertain significance (1 of 4 stars; one submission).

Conditions:
Intellectual disability, autosomal recessive 53 (NEDHSCA). Also called: GLYCOSYLPHOSPHATIDYLINOSITOL BIOSYNTHESIS DEFECT 13; Mental retardation, autosomal recessive 53; NEURODEVELOPMENTAL DISORDER WITH OR WITHOUT HYPOTONIA, SEIZURES, AND CEREBELLAR ATROPHY. Identifiers: Orphanet 488635, MedGen C4310794, MONDO:0014832, OMIM 616917.

Submission:

Labcorp Genetics (formerly Invitae), Labcorp
Classification: Uncertain significance for Intellectual disability, autosomal recessive 53. Last evaluated: 2021-08-31. Review status: criteria provided, single submitter. Criteria: Invitae Variant Classification Sherloc (09022015). Collection method: clinical testing. Allele origin: germline.
Comment: This variant, c.1046_1060dup, results in the insertion of 5 amino acid(s) to the PIGG protein (p.Arg349_Leu353dup), but otherwise preserves the integrity of the reading frame. This variant is not present in population databases (ExAC no frequency). This variant has not been reported in the literature in individuals affected with PIGG-related conditions. Experimental studies and prediction algorithms are not available or were not evaluated, and the functional significance of this variant is currently unknown. Algorithms developed to predict the effect of sequence changes on RNA splicing suggest that this variant may create or strengthen a splice site. In summary, the available evidence is currently insufficient to determine the role of this variant in disease. Therefore, it has been classified as a Variant of Uncertain Significance.

NM_001127178.3(PIGG):c.1046_1060dup (p.Arg349_Leu353dup)

Gene: PIGG (phosphatidylinositol glycan anchor biosynthesis class G (EMM blood group); plus strand). Cytogenetic location: 4p16.3.
Variant type: Duplication.
Coding change: c.1046_1060dup on transcript NM_001127178.3 (MANE Select); coding-DNA positions 1046 to 1060, 15 bases duplicated (GATTTTTACATTTGA).
Protein change: p.Arg349_Leu353dup.
Molecular consequence: inframe insertion. On other transcripts: 5 prime UTR variant (3), non-coding transcript variant (10).
Genome position (GRCh38, 1-based): chr4:516,117-516,131, GATTTTTACATTTGA duplicated; duplicating any 15 consecutive bases within chr4:516,113-516,131 gives the same sequence; the c. name uses the placement nearest the transcript's 3' end. VCF-style (leftmost placement, unchanged base first): chr4-516112-G-GTTGAGATTTTTACAT. GRCh37 (hg19) VCF-style: chr4-509901-G-GTTGAGATTTTTACAT.
Other names: c.779_793dup, p.Arg260_Leu264dup (NM_001289051.2, NM_001289053.2, NM_001289057.2 and 2 more transcripts); c.647_661dup, p.Arg216_Leu220dup (NM_001289052.2); c.680_694dup, p.Arg227_Leu231dup (NM_001289055.2); c.17_31dup, p.Arg6_Leu10dup (NM_001345988.2); c.1046_1060dup, p.Arg349_Leu353dup (NM_001345989.2, NM_017733.5); c.-580_-566dup (NM_001345990.2); c.-442_-428dup (NM_001345991.2); c.-167_-153dup (NM_001345994.2).
Identifiers: ClinVar variation 1492225 (VCV001492225.5), dbSNP rs2108885433, ClinGen allele CA2573137495.